The following is an entry in ClinVar:

NM_001289.6(CLIC2):c.58-6T>G

Gene: CLIC2 (chloride intracellular channel 2; minus strand). Cytogenetic location: Xq28.
Variant type: single nucleotide variant.
Coding change: c.58-6T>G on transcript NM_001289.6 (MANE Select); 6 bases into the intron before coding-DNA position 58, T replaced by G.
Molecular consequence: intron variant.
Genome position (GRCh38, 1-based): chrX:155,299,151, A>C on the plus strand (T>G on the coding strand, the complement: CLIC2 is on the minus strand). VCF-style: chrX-155299151-A-C. GRCh37 (hg19) VCF-style: chrX-154528464-A-C.
Identifiers: ClinVar variation 3050665 (VCV003050665.2), dbSNP rs782783664, ClinGen allele CA10569367.
Genomic context (GRCh38, chrX:155,299,151, plus strand): 5'-TGAAAAGGCGTTGGCAAAAGGGACAGTTTCCAATACTCTCTCCATCACTTCCAGCCTATT[A>C]AGATAAAGAGAGACCTCAGTTCATTTGTTTGTTCAATAAGTATGTATTTAGTTCCTAATA-3'

ClinVar aggregate classification (germline): Benign (0 of 4 stars; one submission).

Conditions:
CLIC2-related disorder. Also called: CLIC2-related condition.

Allele frequency attached by ClinVar (database versions not stated): TOPMed 0.00002; gnomAD 0.00011; ExAC 0.00105.
gnomAD v4.1: 532 of 1,171,674 alleles (0.045%); highest among the groups gnomAD compares: South Asian, 0.92%; 5 homozygotes.

Submission:

PreventionGenetics, part of Exact Sciences
Classification: Benign for CLIC2-related condition. Last evaluated: 2019-04-12. Review status: no assertion criteria provided. Collection method: clinical testing. Allele origin: germline.
Comment: This variant is classified as benign based on ACMG/AMP sequence variant interpretation guidelines (Richards et al. 2015 PMID: 25741868, with internal and published modifications).